The following is an entry in ClinVar:

NM_019109.5(ALG1):c.91del (p.Ala31fs)

Gene: ALG1 (ALG1 chitobiosyldiphosphodolichol beta-mannosyltransferase; plus strand). Cytogenetic location: 16p13.3.
Variant type: Deletion.
Coding change: c.91del on transcript NM_019109.5 (MANE Select); coding-DNA position 91, one base deleted (G; older notation c.91delG).
Protein change: p.Ala31fs; shifts the reading frame from alanine 31.
Molecular consequence: frameshift variant.
Genome position (GRCh38, 1-based): chr16:5,071,940, G deleted; the last of 3 consecutive G bases (chr16:5,071,938-5,071,940); deleting any one gives the same sequence. VCF-style (leftmost placement, unchanged base first): chr16-5071937-CG-C. GRCh37 (hg19) VCF-style: chr16-5121938-CG-C.
Other names: short protein forms A31fs.
Identifiers: ClinVar variation 3016188 (VCV003016188.3), dbSNP rs1418811080, ClinGen allele CA721348752.

ClinVar aggregate classification (germline): Pathogenic (1 of 4 stars; one submission).

Conditions:
ALG1-congenital disorder of glycosylation. Also called: CDG Ik; CONGENITAL DISORDER OF GLYCOSYLATION, TYPE Ik; ALG1-CDG. Identifiers: Orphanet 79327, MedGen C2931005, MONDO:0012052, OMIM 608540.

Submission:

Labcorp Genetics (formerly Invitae), Labcorp
Classification: Pathogenic for ALG1-congenital disorder of glycosylation. Last evaluated: 2023-01-28. Review status: criteria provided, single submitter. Criteria: Invitae Variant Classification Sherloc (09022015). Collection method: clinical testing. Allele origin: germline.
Comment: For these reasons, this variant has been classified as Pathogenic. This variant has not been reported in the literature in individuals affected with ALG1-related conditions. This variant is not present in population databases (gnomAD no frequency). This sequence change creates a premature translational stop signal (p.Ala31Argfs*5) in the ALG1 gene. It is expected to result in an absent or disrupted protein product. Loss-of-function variants in ALG1 are known to be pathogenic (PMID: 20679665, 23806237).

Literature cited by the submitters: PubMed 20679665; PubMed 23806237.